The following is an entry in ClinVar:

NM_006796.3(AFG3L2):c.1818T>C (p.Ala606=)

Gene: AFG3L2 (AFG3 like matrix AAA peptidase subunit 2; minus strand). Cytogenetic location: 18p11.21.
Variant type: single nucleotide variant.
Coding change: c.1818T>C on transcript NM_006796.3 (MANE Select); coding-DNA position 1818, T replaced by C.
Protein change: p.Ala606=; no amino-acid change (alanine 606 retained).
Molecular consequence: synonymous variant.
Genome position (GRCh38, 1-based): chr18:12,340,363, A>G on the plus strand (T>C on the coding strand, the complement: AFG3L2 is on the minus strand). VCF-style: chr18-12340363-A-G. GRCh37 (hg19) VCF-style: chr18-12340362-A-G.
Identifiers: ClinVar variation 722857 (VCV000722857.28), dbSNP rs146213373, ClinGen allele CA8896370.

ClinVar aggregate classification (germline): Likely benign. Review status: criteria provided, multiple submitters, no conflicts (2 of 4 stars). 3 submissions from 3 submitters: Likely benign (3). Last evaluated 2024-11-19.

Allele frequency attached by ClinVar (database versions not stated): gnomAD exomes below 0.00001 and 0.00001; ExAC 0.00001; TOPMed 0.00002; gnomAD 0.00003; ESP Exome Variant Server 0.00008.
gnomAD v4.1: 7 of 1,614,192 alleles (0.00043%); highest among the groups gnomAD compares: Non-Finnish European, 0.00042%; no homozygotes.

Submissions (3):

Athena Diagnostics
Classification: Likely benign. Last evaluated: 2024-11-19. Review status: criteria provided, single submitter. Criteria: Athena Diagnostics Criteria. Collection method: clinical testing. Allele origin: unknown.

CeGaT Center for Human Genetics Tuebingen
Classification: Likely benign. Last evaluated: 2022-12-01. Review status: criteria provided, single submitter. Criteria: CeGaT Center For Human Genetics Tuebingen Variant Classification Criteria Version 2. Collection method: clinical testing. Allele origin: germline. Affected: yes. Observed: 1 variant allele.
Comment: AFG3L2: BP4, BP7

Labcorp Genetics (formerly Invitae), Labcorp
Classification: Likely benign. Last evaluated: 2018-01-26. Review status: criteria provided, single submitter. Criteria: Invitae Variant Classification Sherloc (09022015). Collection method: clinical testing. Allele origin: germline.